The following is an entry in ClinVar:

NM_000642.3(AGL):c.2707G>T (p.Glu903Ter)

Gene: AGL (amylo-alpha-1,6-glucosidase and 4-alpha-glucanotransferase; plus strand). Cytogenetic location: 1p21.2.
Variant type: single nucleotide variant.
Coding change: c.2707G>T on transcript NM_000642.3 (MANE Select); coding-DNA position 2707, G replaced by T.
Protein change: p.Glu903Ter; replaces glutamic acid 903 with a stop codon.
Molecular consequence: nonsense.
Genome position (GRCh38, 1-based): chr1:99,888,003, G>T. VCF-style: chr1-99888003-G-T. GRCh37 (hg19) VCF-style: chr1-100353559-G-T.
Other names: c.2659G>T, p.Glu887Ter (NM_000646.3); c.2707G>T, p.Glu903Ter (NM_001425325.1, NM_001425326.1, NM_000028.3 and 2 more transcripts); c.2506G>T, p.Glu836Ter (NM_001425327.1); c.2503G>T, p.Glu835Ter (NM_001425328.1); c.2368G>T, p.Glu790Ter (NM_001425329.1); c.2329G>T, p.Glu777Ter (NM_001425332.1); short protein forms E887*, E903*, E777*, E790*, E835*, E836*.
Identifiers: ClinVar variation 2201043 (VCV002201043.4), dbSNP rs2100778885, ClinGen allele CA341322856.

ClinVar aggregate classification (germline): Pathogenic (1 of 4 stars; one submission).

Conditions:
Glycogen storage disease type III (GSD3). Also called: Cori disease; FORBES DISEASE. Identifiers: Orphanet 366, MedGen C0017922, MONDO:0009291, OMIM 232400.

Submission:

Labcorp Genetics (formerly Invitae), Labcorp
Classification: Pathogenic for Glycogen storage disease type III. Last evaluated: 2022-03-15. Review status: criteria provided, single submitter. Criteria: Invitae Variant Classification Sherloc (09022015). Collection method: clinical testing. Allele origin: germline.
Comment: This sequence change creates a premature translational stop signal (p.Glu903*) in the AGL gene. It is expected to result in an absent or disrupted protein product. Loss-of-function variants in AGL are known to be pathogenic (PMID: 19299494). This variant is not present in population databases (gnomAD no frequency). This variant has not been reported in the literature in individuals affected with AGL-related conditions. For these reasons, this variant has been classified as Pathogenic.

Literature cited by the submitters: PubMed 19299494.